The following is an entry in ClinVar:

ClinVar aggregate classification (germline): Uncertain significance (1 of 4 stars; one submission).

gnomAD v4.1: 1 of 1,614,148 alleles (0.000062%); highest among the groups gnomAD compares: Non-Finnish European, 0.000085%; no homozygotes.

Submission:

GeneDx
Classification: Uncertain significance. Last evaluated: 2024-05-22. Review status: criteria provided, single submitter. Criteria: GeneDx Variant Classification Process June 2021. Collection method: clinical testing. Allele origin: germline. Affected: yes.
Comment: Not observed at significant frequency in large population cohorts (gnomAD); In silico analysis indicates that this missense variant does not alter protein structure/function; Has not been previously published as pathogenic or benign to our knowledge

NM_001321120.2(TBX4):c.928C>T (p.His310Tyr)

Gene: TBX4 (T-box transcription factor 4; plus strand). Cytogenetic location: 17q23.2.
Variant type: single nucleotide variant.
Coding change: c.928C>T on transcript NM_001321120.2 (MANE Select); coding-DNA position 928, C replaced by T.
Protein change: p.His310Tyr; replaces histidine 310 with tyrosine.
Molecular consequence: missense variant.
Genome position (GRCh38, 1-based): chr17:61,480,226, C>T. VCF-style: chr17-61480226-C-T. GRCh37 (hg19) VCF-style: chr17-59557587-C-T.
Other names: c.928C>T, p.His310Tyr (NM_018488.3); short protein forms H310Y.
Identifiers: ClinVar variation 3381318 (VCV003381318.1).